The following is an entry in ClinVar:

NM_000049.4(ASPA):c.302del (p.Gly101fs)

Genes: ASPA (aspartoacylase; plus strand), SPATA22 (spermatogenesis associated 22; minus strand). Cytogenetic location: 17p13.2.
Variant type: Deletion.
Coding change: c.302del on transcript NM_000049.4 (MANE Select); coding-DNA position 302, one base deleted (G; older notation c.302delG).
Protein change: p.Gly101fs; shifts the reading frame from glycine 101.
Molecular consequence: frameshift variant. On other transcripts: intron variant (2).
Genome position (GRCh38, 1-based): chr17:3,481,668, G deleted; the last of 2 consecutive G bases (chr17:3,481,667-3,481,668); deleting either gives the same sequence. VCF-style (leftmost placement, unchanged base first): chr17-3481666-TG-T. GRCh37 (hg19) VCF-style: chr17-3384960-TG-T.
Other names: c.302del, p.Gly101fs (NM_001128085.1); c.-73-12269del (NM_001321336.2, NM_001321337.2); short protein forms G101fs.
Identifiers: ClinVar variation 3642557 (VCV003642557.2).

ClinVar aggregate classification (germline): Pathogenic (1 of 4 stars; one submission).

Conditions:
Spongy degeneration of central nervous system. Also called: ACY2 DEFICIENCY; AMINOACYLASE 2 DEFICIENCY; ASP DEFICIENCY; ASPA DEFICIENCY; ASPARTOACYLASE DEFICIENCY; CANAVAN-VAN BOGAERT-BERTRAND DISEASE. Identifiers: Orphanet 141, MedGen C0206307, MONDO:0010079, OMIM 271900.

Submission:

Labcorp Genetics (formerly Invitae), Labcorp
Classification: Pathogenic for Spongy degeneration of central nervous system. Last evaluated: 2024-02-22. Review status: criteria provided, single submitter. Criteria: Invitae Variant Classification Sherloc (09022015). Collection method: clinical testing. Allele origin: germline.
Comment: This sequence change creates a premature translational stop signal (p.Gly101Valfs*36) in the ASPA gene. It is expected to result in an absent or disrupted protein product. Loss-of-function variants in ASPA are known to be pathogenic (PMID: 12638939). This variant is not present in population databases (gnomAD no frequency). This variant has not been reported in the literature in individuals affected with ASPA-related conditions. For these reasons, this variant has been classified as Pathogenic.

Literature cited by the submitters: PubMed 12638939.